The following is an entry in ClinVar:

NM_000051.4(ATM):c.6108T>A (p.Tyr2036Ter)

Genes: C11orf65 (chromosome 11 open reading frame 65; minus strand), ATM (ATM serine/threonine kinase; plus strand). Cytogenetic location: 11q22.3.
Variant type: single nucleotide variant.
Coding change: c.6108T>A on transcript NM_000051.4 (MANE Select); coding-DNA position 6108, T replaced by A.
Protein change: p.Tyr2036Ter; replaces tyrosine 2036 with a stop codon.
Molecular consequence: nonsense. On other transcripts: intron variant (2).
Genome position (GRCh38, 1-based): chr11:108,316,023, T>A. VCF-style: chr11-108316023-T-A. GRCh37 (hg19) VCF-style: chr11-108186750-T-A.
Other names: c.6108T>A, p.Tyr2036Ter (NM_001351834.2); c.641-6952A>T (NM_001330368.2); c.*39-6952A>T (NM_001351110.2); short protein forms Y2036*.
Identifiers: ClinVar variation 635341 (VCV000635341.9), dbSNP rs3092826, ClinGen allele CA382550346.

ClinVar aggregate classification (germline): Pathogenic. Review status: criteria provided, multiple submitters, no conflicts (2 of 4 stars). 3 submissions from 3 submitters: Pathogenic (3). Last evaluated 2026-03-31.

Conditions:
Ataxia-telangiectasia syndrome (AT). Also called: Ataxia-telangiectasia, complementation group D; AT, COMPLEMENTATION GROUP C; ATAXIA-TELANGIECTASIA, COMPLEMENTATION GROUP A; ATAXIA-TELANGIECTASIA, FRESNO VARIANT; Ataxia-telangiectasia; LOUIS-BAR SYNDROME. Identifiers: Orphanet 100, MedGen C0004135, MONDO:0008840, OMIM 208900.
Ataxia telangiectasi.
Hereditary cancer-predisposing syndrome. Also called: Tumor predisposition; Hereditary neoplastic syndrome; Neoplastic Syndromes, Hereditary; Hereditary Cancer Syndrome. Identifiers: Orphanet 140162, MedGen C0027672, MeSH D009386, MONDO:0015356.

Submissions (3):

Ambry Genetics
Classification: Pathogenic for Hereditary cancer-predisposing syndrome. Last evaluated: 2026-03-31. Review status: criteria provided, single submitter. Criteria: Ambry Variant Classification Scheme 2023. Collection method: clinical testing. Allele origin: germline.
Comment: The p.Y2036* pathogenic mutation (also known as c.6108T>A), located in coding exon 41 of the ATM gene, results from a T to A substitution at nucleotide position 6108. This changes the amino acid from a tyrosine to a stop codon within coding exon 41. This variant has been identified in the homozygous state and/or in conjunction with other ATM variant(s) in individual(s) with features consistent with Ataxia telangiectasia (Isik E et al. Eur J Med Genet, 2019 Oct;62:103725). This variant is considered to be rare based on population cohorts in the Genome Aggregation Database (gnomAD). This variant is expected to result in loss of function by premature protein truncation or nonsense-mediated mRNA decay. As such, this variant is interpreted as a disease-causing mutation.

Labcorp Genetics (formerly Invitae), Labcorp
Classification: Pathogenic for Ataxia-telangiectasia syndrome. Last evaluated: 2022-04-24. Review status: criteria provided, single submitter. Criteria: Invitae Variant Classification Sherloc (09022015). Collection method: clinical testing. Allele origin: germline.
Comment: For these reasons, this variant has been classified as Pathogenic. ClinVar contains an entry for this variant (Variation ID: 635341). This premature translational stop signal has been observed in individual(s) with clinical features of ataxia-telangiectasia (PMID: 31319225). This variant is not present in population databases (gnomAD no frequency). This sequence change creates a premature translational stop signal (p.Tyr2036*) in the ATM gene. It is expected to result in an absent or disrupted protein product. Loss-of-function variants in ATM are known to be pathogenic (PMID: 23807571, 25614872).

Ege University Pediatric Genetics, Ege University
Classification: Pathogenic for Ataxia telangiectasi. Last evaluated: 2019-05-15. Review status: criteria provided, single submitter. Criteria: ACMG Guidelines, 2015. Collection method: clinical testing. Allele origin: germline. Affected: yes.

Literature cited by the submitters: PubMed 31319225 (cited by 3 submitters); PubMed 23807571 (cited by Labcorp Genetics (formerly Invitae), Labcorp); PubMed 25614872 (cited by Labcorp Genetics (formerly Invitae), Labcorp).